The following is an entry in ClinVar:

ClinVar aggregate classification (germline): Pathogenic (1 of 4 stars; one submission).

Conditions:
Developmental and epileptic encephalopathy, 42 (DEE42A). Also called: DEVELOPMENTAL AND EPILEPTIC ENCEPHALOPATHY 42A; EPILEPTIC ENCEPHALOPATHY, EARLY INFANTILE, 42A; Epileptic encephalopathy, early infantile, 42. Identifiers: MedGen C4310716, MONDO:0014917, OMIM 617106.
Episodic ataxia type 2 (EA2). Also called: EPISODIC ATAXIA, NYSTAGMUS-ASSOCIATED; ACETAZOLAMIDE-RESPONSIVE HEREDITARY PAROXYSMAL CEREBELLAR ATAXIA; ATAXIA, EPISODIC, WITH NYSTAGMUS; ATAXIA, FAMILIAL PAROXYSMAL; CEREBELLAR ATAXIA, PAROXYSMAL, ACETAZOLAMIDE-RESPONSIVE; CEREBELLOPATHY, HEREDITARY PAROXYSMAL. Identifiers: Orphanet 97, MedGen C1720416, MONDO:0007163, OMIM 108500.

Submission:

Labcorp Genetics (formerly Invitae), Labcorp
Classification: Pathogenic for Developmental and epileptic encephalopathy, 42; Episodic ataxia type 2. Last evaluated: 2020-02-25. Review status: criteria provided, single submitter. Criteria: Invitae Variant Classification Sherloc (09022015). Collection method: clinical testing. Allele origin: germline.
Comment: The frequency data for this variant in the population databases is considered unreliable, as metrics indicate insufficient coverage at this position in the ExAC database. For these reasons, this variant has been classified as Pathogenic. Loss-of-function variants in CACNA1A are known to be pathogenic (PMID: 10371528, 19486177, 25735478, 27250579). This variant has not been reported in the literature in individuals with CACNA1A-related conditions. This sequence change creates a premature translational stop signal (p.Arg2134Trpfs*47) in the CACNA1A gene. It is expected to result in an absent or disrupted protein product.

Literature cited by the submitters: PubMed 10371528; PubMed 19486177; PubMed 25735478; PubMed 27250579.

NM_001127222.2(CACNA1A):c.6397_6403del (p.Arg2133fs)

Gene: CACNA1A (calcium voltage-gated channel subunit alpha1 A; minus strand). Cytogenetic location: 19p13.13.
Variant type: Deletion.
Coding change: c.6397_6403del on transcript NM_001127222.2 (MANE Select); coding-DNA positions 6397 to 6403, 7 bases deleted (CGACGCC; older notation c.6397_6403delCGACGCC).
Protein change: p.Arg2133fs; shifts the reading frame from arginine 2133.
Molecular consequence: frameshift variant.
Genome position (GRCh38, 1-based): chr19:13,209,435-13,209,441, GGCGTCG deleted on the plus strand (CGACGCC on the coding strand, the reverse complement: CACNA1A is on the minus strand); deleting any 7 consecutive bases within chr19:13,209,435-13,209,444 gives the same sequence; the c. name uses the placement nearest the transcript's 3' end. VCF-style (leftmost placement, unchanged base first): chr19-13209434-AGGCGTCG-A. GRCh37 (hg19) VCF-style: chr19-13320248-AGGCGTCG-A.
Other names: c.6415_6421del, p.Arg2139fs (NM_000068.4, NM_023035.3); c.6400_6406del, p.Arg2134fs (NM_001127221.2); c.6406_6412del, p.Arg2136fs (NM_001174080.2); short protein forms R2133fs, R2134fs, R2136fs, R2139fs.
Identifiers: ClinVar variation 1072305 (VCV001072305.9), dbSNP rs2144506286, ClinGen allele CA2499225382.
Genomic context (GRCh38, chr19:13,209,434, plus strand): 5'-CGCCGCTGGTGGTGCCGCTGGTTCTCCTCGGGCGGGACCCGCTCCAGCGAGTAATCGTCC[AGGCGTCG>A]GGCCTTGGGGCCCAGCACGGAGGCTGAACGCTTCATGGGGCTGGTGTCTGAGATGGTCTG-3'